The following is an entry in ClinVar:

NM_000082.4(ERCC8):c.541A>G (p.Ile181Val)

Gene: ERCC8 (ERCC excision repair 8, CSA ubiquitin ligase complex subunit; minus strand). Cytogenetic location: 5q12.1.
Variant type: single nucleotide variant.
Coding change: c.541A>G on transcript NM_000082.4 (MANE Select); coding-DNA position 541, A replaced by G.
Protein change: p.Ile181Val; replaces isoleucine 181 with valine.
Molecular consequence: missense variant.
Genome position (GRCh38, 1-based): chr5:60,903,657, T>C on the plus strand (A>G on the coding strand, the complement: ERCC8 is on the minus strand). VCF-style: chr5-60903657-T-C. GRCh37 (hg19) VCF-style: chr5-60199484-T-C.
Other names: c.367A>G, p.Ile123Val (NM_001007233.3); c.541A>G, p.Ile181Val (NM_001007234.3); c.82A>G, p.Ile28Val (NM_001290285.2); short protein forms I123V, I181V, I28V.
Identifiers: ClinVar variation 2158444 (VCV002158444.1), dbSNP rs1259864552, ClinGen allele CA359826683.
Genomic context (GRCh38, chr5:60,903,657, plus strand): 5'-TATTGAATCGTTTACTCAAAGTAGTTGCCGTTTGAAATAAAATAAAAATACCCTGTAGAA[T>C]GTGAGAACAGGATCCAGACTTCAAGTCACAAAGTTGTACTTTGGGTCCTCTAGTACCAAC-3'
Protein context (NP_000073.1, residues 171-191): CDLKSGSCSH[Ile181Val]LQGHRQEILA

ClinVar aggregate classification (germline): Uncertain significance (1 of 4 stars; one submission).

Allele frequency attached by ClinVar (database versions not stated): gnomAD exomes below 0.00001; TOPMed 0.00001.
gnomAD v4.1: 2 of 1,612,610 alleles (0.00012%); highest among the groups gnomAD compares: Non-Finnish European, 0.00017%; no homozygotes.

Submission:

Labcorp Genetics (formerly Invitae), Labcorp
Classification: Uncertain significance. Last evaluated: 2022-09-27. Review status: criteria provided, single submitter. Criteria: Invitae Variant Classification Sherloc (09022015). Collection method: clinical testing. Allele origin: germline.
Comment: This sequence change replaces isoleucine, which is neutral and non-polar, with valine, which is neutral and non-polar, at codon 181 of the ERCC8 protein (p.Ile181Val). This variant is not present in population databases (gnomAD no frequency). This variant has not been reported in the literature in individuals affected with ERCC8-related conditions. Advanced modeling of protein sequence and biophysical properties (such as structural, functional, and spatial information, amino acid conservation, physicochemical variation, residue mobility, and thermodynamic stability) performed at Invitae indicates that this missense variant is not expected to disrupt ERCC8 protein function. In summary, the available evidence is currently insufficient to determine the role of this variant in disease. Therefore, it has been classified as a Variant of Uncertain Significance.